The following is an entry in ClinVar:

ClinVar aggregate classification (germline): Conflicting classifications of pathogenicity. Review status: criteria provided, conflicting classifications (1 of 4 stars). 3 submissions from 3 submitters: Uncertain significance (2); Likely benign (1). Last evaluated 2024-01-17.

Conditions:
Arrhythmogenic right ventricular dysplasia 5. Also called: Arrhythmogenic Right Ventricular Dysplasia/Cardiomyopathy 5; ARRHYTHMOGENIC RIGHT VENTRICULAR DYSPLASIA, FAMILIAL, 5. Identifiers: MedGen C1858379, MONDO:0011459, OMIM 604400.
Cardiovascular phenotype. Identifiers: MedGen CN230736.

Allele frequency attached by ClinVar (database versions not stated): gnomAD exomes below 0.00001; TOPMed below 0.00001.

Submissions (3):

Labcorp Genetics (formerly Invitae), Labcorp
Classification: Uncertain significance for Arrhythmogenic right ventricular dysplasia 5. Last evaluated: 2024-01-17. Review status: criteria provided, single submitter. Criteria: Invitae Variant Classification Sherloc (09022015). Collection method: clinical testing. Allele origin: germline.
Comment: This sequence change replaces valine, which is neutral and non-polar, with isoleucine, which is neutral and non-polar, at codon 339 of the TMEM43 protein (p.Val339Ile). This variant is not present in population databases (gnomAD no frequency). This variant has not been reported in the literature in individuals affected with TMEM43-related conditions. ClinVar contains an entry for this variant (Variation ID: 1742948). Advanced modeling of protein sequence and biophysical properties (such as structural, functional, and spatial information, amino acid conservation, physicochemical variation, residue mobility, and thermodynamic stability) performed at Invitae indicates that this missense variant is not expected to disrupt TMEM43 protein function with a negative predictive value of 80%. In summary, the available evidence is currently insufficient to determine the role of this variant in disease. Therefore, it has been classified as a Variant of Uncertain Significance.

Ambry Genetics
Classification: Uncertain significance for Cardiovascular phenotype. Last evaluated: 2021-10-11. Review status: criteria provided, single submitter. Criteria: Ambry Variant Classification Scheme 2023. Collection method: clinical testing. Allele origin: germline.
Comment: The p.V339I variant (also known as c.1015G>A), located in coding exon 12 of the TMEM43 gene, results from a G to A substitution at nucleotide position 1015. The valine at codon 339 is replaced by isoleucine, an amino acid with highly similar properties. This amino acid position is conserved. In addition, this alteration is predicted to be tolerated by in silico analysis. Since supporting evidence is limited at this time, the clinical significance of this alteration remains unclear.

Blueprint Genetics
Classification: Likely benign. Last evaluated: 2019-09-06. Review status: criteria provided, single submitter. Criteria: ACMG Guidelines, 2015. Collection method: clinical testing. Allele origin: germline.

NM_024334.3(TMEM43):c.1015G>A (p.Val339Ile)

Gene: TMEM43 (transmembrane protein 43; plus strand). Cytogenetic location: 3p25.1.
Variant type: single nucleotide variant.
Coding change: c.1015G>A on transcript NM_024334.3 (MANE Select); coding-DNA position 1015, G replaced by A.
Protein change: p.Val339Ile; replaces valine 339 with isoleucine.
Molecular consequence: missense variant.
Genome position (GRCh38, 1-based): chr3:14,141,607, G>A. VCF-style: chr3-14141607-G-A. GRCh37 (hg19) VCF-style: chr3-14183107-G-A.
Other names: c.1018G>A, p.Val340Ile (NM_001407274.1); c.1012G>A, p.Val338Ile (NM_001407275.1, NM_001407276.1); c.1009G>A, p.Val337Ile (NM_001407277.1); c.1000G>A, p.Val334Ile (NM_001407278.1); c.940G>A, p.Val314Ile (NM_001407279.1); c.865G>A, p.Val289Ile (NM_001407280.1); short protein forms V289I, V339I, V340I, V334I, V338I, V314I, V337I.
Identifiers: ClinVar variation 1742948 (VCV001742948.6), dbSNP rs1695246738, ClinGen allele CA351536373.